The following is an entry in ClinVar:

ClinVar aggregate classification (germline): Pathogenic. Review status: criteria provided, multiple submitters, no conflicts (2 of 4 stars). 2 submissions from 2 submitters: Pathogenic (2). Last evaluated 2024-10-09.

Conditions:
Inborn genetic diseases. Identifiers: MedGen C0950123, MeSH D030342.
Intellectual disability-microcephaly-strabismus-behavioral abnormalities syndrome. Also called: White-Sutton Syndrome. Identifiers: Orphanet 468678, MedGen C4225351, MONDO:0014606, OMIM 616364.

Submissions (2):

Victorian Clinical Genetics Services, Murdoch Childrens Research Institute
Classification: Pathogenic for Intellectual disability-microcephaly-strabismus-behavioral abnormalities syndrome. Last evaluated: 2024-10-09. Review status: criteria provided, single submitter. Criteria: ACMG Guidelines, 2015. Collection method: clinical testing. Allele origin: germline. Inheritance: Autosomal dominant inheritance. Affected: yes.
Comment: Based on the classification scheme VCGS_Germline_v1.3.4, this variant is classified as Pathogenic. Following criteria are met: 0102 - Loss of function is a known mechanism of disease in this gene and is associated with White-Sutton syndrome (MIM#616364). (I) 0107 - This gene is associated with autosomal dominant disease. (I) 0201 - Variant is predicted to cause nonsense-mediated decay (NMD) and loss of protein (premature termination codon is located at least 54 nucleotides upstream of the final exon-exon junction). (SP) 0251 - This variant is heterozygous. (I) 0301 - Variant is absent from gnomAD (both v2 and v3). (SP) 0701 - Other NMD-predicted variants comparable to the one identified in this case have very strong previous evidence for pathogenicity. Many NMD-predictd variants have been reported as pathogenic (ClinVar, DECIPHER). (SP) 0801 - This variant has strong previous evidence of pathogenicity in unrelated individuals. This variant has been reported as pathogenic once in ClinVar. An alternate nucleotide substitution resulting in the same protein outcome has been reported in the literature in an individual with moderate intellectual disability and an individual with White-Sutton syndrome. In both literature reports the variant was de novo (PMIDs: 33277917, 34645992). (I) Legend: (SP) - Supporting pathogenic, (I) - Information, (SB) - Supporting benign

Ambry Genetics
Classification: Pathogenic for Inborn genetic diseases. Last evaluated: 2017-12-14. Review status: criteria provided, single submitter. Criteria: Ambry Variant Classification Scheme 2023. Collection method: clinical testing. Allele origin: germline.
Comment: The c.2309dupA pathogenic mutation, located in coding exon 14 of the POGZ gene, results from a duplication of A at nucleotide position 2309, causing a translational frameshift with a predicted alternate stop codon (p.Y770*). This alteration is expected to result in loss of function by premature protein truncation or nonsense-mediated mRNA decay. As such, this alteration is interpreted as a disease-causing mutation.

Literature cited by the submitters: PubMed 33277917 (cited by Victorian Clinical Genetics Services, Murdoch Childrens Research Institute); PubMed 34645992 (cited by Victorian Clinical Genetics Services, Murdoch Childrens Research Institute).

NM_015100.4(POGZ):c.2309dup (p.Tyr770Ter)

Gene: POGZ (pogo transposable element derived with ZNF domain; minus strand). Cytogenetic location: 1q21.3.
Variant type: Duplication.
Coding change: c.2309dup on transcript NM_015100.4 (MANE Select); coding-DNA position 2309, one base duplicated (A; older notation c.2309dupA).
Protein change: p.Tyr770Ter; replaces tyrosine 770 with a stop codon.
Molecular consequence: nonsense. On other transcripts: frameshift variant (1).
Genome position (GRCh38, 1-based): chr1:151,408,166, T duplicated on the plus strand (A on the coding strand, the reverse complement: POGZ is on the minus strand). VCF-style (leftmost placement, unchanged base first): chr1-151408165-G-GT. GRCh37 (hg19) VCF-style: chr1-151380641-G-GT.
Other names: c.2282dup, p.Tyr761Ter (NM_001194937.2); c.2123dup, p.Tyr708Ter (NM_001194938.2); c.2330dup, p.Tyr777Terfs (NM_001410860.1); c.2024dup, p.Tyr675Ter (NM_145796.4); c.2150dup, p.Tyr717Ter (NM_207171.2); short protein forms Y708*, Y761*, Y770*, Y675*, Y717*.
Identifiers: ClinVar variation 1789395 (VCV001789395.3), dbSNP rs2529239509, ClinGen allele CA2580061037.